The following is an entry in ClinVar:

NC_000023.10:g.(?_31332523)_(31462764_?)del

Gene: DMD (dystrophin; minus strand). Cytogenetic location: Xp21.2.
Variant type: Deletion.
Identifiers: ClinVar variation 2424931 (VCV002424931.5).

ClinVar aggregate classification (germline): Pathogenic (1 of 4 stars; one submission).

Conditions:
Duchenne muscular dystrophy (DMD). Also called: Duchenne Muscular Dystrophy (DMD); MUSCULAR DYSTROPHY, PSEUDOHYPERTROPHIC PROGRESSIVE, DUCHENNE TYPE. Identifiers: Orphanet 98896, MedGen C0013264, MONDO:0010679, OMIM 310200.

Submission:

Labcorp Genetics (formerly Invitae), Labcorp
Classification: Pathogenic for Duchenne muscular dystrophy. Last evaluated: 2022-02-04. Review status: criteria provided, single submitter. Criteria: Invitae Variant Classification Sherloc (09022015). Collection method: clinical testing. Allele origin: germline.
Comment: For these reasons, this variant has been classified as Pathogenic. A similar copy number variant has been observed in individual(s) with Duchenne muscular dystrophy (PMID: 11524473). This variant is a gross deletion of the genomic region encompassing exon(s) 60-62 of the DMD gene. This deletion is out-of-frame, and is expected to create a premature termination codon and result in an absent or disrupted protein product. Loss-of-function variants in DMD are known to be pathogenic (PMID: 16770791, 25007885).

Literature cited by the submitters: PubMed 11524473; PubMed 16770791; PubMed 25007885.